The following is an entry in ClinVar:

ClinVar aggregate classification (germline): Conflicting classifications of pathogenicity. Review status: criteria provided, conflicting classifications (1 of 4 stars). 3 submissions from 3 submitters: Uncertain significance (1); Likely benign (2). Last evaluated 2025-12-18.

Conditions:
KIT-related disorder. Also called: KIT-related condition.
Gastrointestinal stromal tumor. Also called: Gastrointestinal stroma tumor; Gastrointestinal stromal tumor, somatic. Identifiers: Orphanet 44890, MedGen C0238198, MeSH D046152, MONDO:0011719, OMIM 606764, HP:0100723.
Hereditary cancer-predisposing syndrome. Also called: Tumor predisposition; Hereditary neoplastic syndrome; Neoplastic Syndromes, Hereditary; Hereditary Cancer Syndrome. Identifiers: Orphanet 140162, MedGen C0027672, MeSH D009386, MONDO:0015356.

Allele frequency attached by ClinVar (database versions not stated): gnomAD exomes below 0.00001.
gnomAD v4.1: 1 of 1,614,072 alleles (0.000062%); highest among the groups gnomAD compares: Non-Finnish European, 0.000085%; no homozygotes.

Submissions (3):

Ambry Genetics
Classification: Likely benign for Hereditary cancer-predisposing syndrome. Last evaluated: 2025-12-18. Review status: criteria provided, single submitter. Criteria: Ambry Variant Classification Scheme 2023. Collection method: clinical testing. Allele origin: germline.

Labcorp Genetics (formerly Invitae), Labcorp
Classification: Likely benign for Gastrointestinal stromal tumor. Last evaluated: 2024-09-17. Review status: criteria provided, single submitter. Criteria: Invitae Variant Classification Sherloc (09022015). Collection method: clinical testing. Allele origin: germline.

PreventionGenetics, part of Exact Sciences
Classification: Uncertain significance for KIT-related condition. Last evaluated: 2023-02-09. Review status: criteria provided, single submitter. Criteria: ACMG Guidelines, 2015. Collection method: clinical testing. Allele origin: germline.
Comment: The KIT c.1272C>T variant is not predicted to result in an amino acid change (p.=). This variant may enhance a cryptic splice site according to available splicing in silico algorithms. To our knowledge, this variant has not been reported in the literature or in a large population database, indicating this variant is rare. At this time, the clinical significance of this variant is uncertain due to the absence of conclusive functional and genetic evidence.

NM_000222.3(KIT):c.1272C>T (p.Gly424=)

Gene: KIT (KIT proto-oncogene, receptor tyrosine kinase; plus strand). Cytogenetic location: 4q12.
Variant type: single nucleotide variant.
Coding change: c.1272C>T on transcript NM_000222.3 (MANE Select); coding-DNA position 1272, C replaced by T.
Protein change: p.Gly424=; no amino-acid change (glycine 424 retained).
Molecular consequence: synonymous variant.
Genome position (GRCh38, 1-based): chr4:54,723,624, C>T. VCF-style: chr4-54723624-C-T. GRCh37 (hg19) VCF-style: chr4-55589790-C-T.
Other names: c.1272C>T, p.Gly424= (NM_001093772.2, NM_001385285.1, NM_001385286.1); c.1275C>T, p.Gly425= (NM_001385284.1, NM_001385288.1, NM_001385290.1 and 1 more transcripts).
Identifiers: ClinVar variation 458864 (VCV000458864.11), dbSNP rs1553891012, ClinGen allele CA439289618.
Genomic context (GRCh38, chr4:54,723,624, plus strand): 5'-CCATTTCTGTTTTCCTGTAGCAAAACCAGAAATCCTGACTTACGACAGGCTCGTGAATGG[C>T]ATGCTCCAATGTGTGGCAGCAGGATTCCCAGAGCCCACAATAGATTGGTATTTTTGTCCA-3'
Protein context (NP_000213.1, residues 414-434): EILTYDRLVN[Gly424=]MLQCVAAGFP